The following is an entry in ClinVar:

ClinVar aggregate classification (germline): Uncertain significance (1 of 4 stars; one submission).

Conditions:
Dyskeratosis congenita, autosomal dominant 1 (DKCA1). Also called: Dyskeratosis congenita Scoggins type. Identifiers: Orphanet 1775, MedGen C4551974, MONDO:0007485, OMIM 127550. Inheritance: Variable.

Submission:

Labcorp Genetics (formerly Invitae), Labcorp
Classification: Uncertain significance for Dyskeratosis congenita, autosomal dominant 1. Last evaluated: 2021-04-23. Review status: criteria provided, single submitter. Criteria: Invitae Variant Classification Sherloc (09022015). Collection method: clinical testing. Allele origin: germline.
Comment: In summary, the available evidence is currently insufficient to determine the role of this variant in disease. Therefore, it has been classified as a Variant of Uncertain Significance. This variant is located within the BoxH/ACA scaRNA domain of the TERC RNA component, which is required for telomerase activity (PMID: 21844345). Functional studies testing the effect of this variant on TERC secondary structure or function have not been reported. This variant has not been reported in the literature in individuals with TERC-related conditions. This variant is not present in population databases (ExAC no frequency). This variant occurs in the TERC gene, which encodes an RNA molecule that does not result in a protein product.

Literature cited by the submitters: PubMed 21844345.

NC_000003.12:g.169764704A>T

Genes: TERC (telomerase RNA component; minus strand), LOC110806306 (telomerase RNA component (TERC) promoter; plus strand). Cytogenetic location: 3q26.2.
Variant type: single nucleotide variant.
Genome position: GRCh38 VCF-style: chr3-169764704-A-T. GRCh37 (hg19) VCF-style: chr3-169482492-A-T.
Identifiers: ClinVar variation 1386271 (VCV001386271.8), dbSNP rs569827301, ClinGen allele CA436714954.
Genomic context (GRCh38, chr3:169,764,704, plus strand): 5'-CAGCTCAGGGAATCGCGCCGCGCGCGGGGACTCGCTCCGTTCCTCTTCCTGCGGCCTGAA[A>T]GGCCTGAACCTCGCCCTCGCCCCCGAGAGACCCGCGGCTGACAGAGCCCAACTCTTCGCG-3'